The following is an entry in ClinVar:

ClinVar aggregate classification (germline): Uncertain significance. Review status: criteria provided, multiple submitters, no conflicts (2 of 4 stars). 2 submissions from 2 submitters: Uncertain significance (2). Last evaluated 2025-11-09.

Conditions:
Inborn genetic diseases. Identifiers: MedGen C0950123, MeSH D030342.
FADD-related immunodeficiency. Also called: Infections, recurrent, with encephalopathy, hepatic dysfunction, and cardiovascular malformations; FADD DEFICIENCY. Identifiers: Orphanet 306550, MedGen C3151062, MONDO:0013408, OMIM 613759.

Allele frequency attached by ClinVar (database versions not stated): ExAC 0.00002; gnomAD 0.00002; TOPMed 0.00003.

Submissions (2):

Labcorp Genetics (formerly Invitae), Labcorp
Classification: Uncertain significance for FADD-related immunodeficiency. Last evaluated: 2025-11-09. Review status: criteria provided, single submitter. Criteria: Invitae Variant Classification Sherloc (09022015). Collection method: clinical testing. Allele origin: germline.
Comment: This sequence change replaces alanine, which is neutral and non-polar, with threonine, which is neutral and polar, at codon 156 of the FADD protein (p.Ala156Thr). This variant is present in population databases (rs767771723, gnomAD 0.02%). This variant has not been reported in the literature in individuals affected with FADD-related conditions. ClinVar contains an entry for this variant (Variation ID: 1008211). An algorithm developed to predict the effect of missense changes on protein structure and function (PolyPhen-2) suggests that this variant is likely to be disruptive. In summary, the available evidence is currently insufficient to determine the role of this variant in disease. Therefore, it has been classified as a Variant of Uncertain Significance.

Ambry Genetics
Classification: Uncertain significance for Inborn genetic diseases. Last evaluated: 2025-04-13. Review status: criteria provided, single submitter. Criteria: Ambry Variant Classification Scheme 2023. Collection method: clinical testing. Allele origin: germline.

NM_003824.4(FADD):c.466G>A (p.Ala156Thr)

Gene: FADD (Fas associated via death domain; plus strand). Cytogenetic location: 11q13.3.
Variant type: single nucleotide variant.
Coding change: c.466G>A on transcript NM_003824.4 (MANE Select); coding-DNA position 466, G replaced by A.
Protein change: p.Ala156Thr; replaces alanine 156 with threonine.
Molecular consequence: missense variant.
Genome position (GRCh38, 1-based): chr11:70,206,312, G>A. VCF-style: chr11-70206312-G-A. GRCh37 (hg19) VCF-style: chr11-70052418-G-A.
Other names: c.466G>A (NM_003824.3); short protein forms A156T.
Identifiers: ClinVar variation 1008211 (VCV001008211.10), dbSNP rs767771723, ClinGen allele CA6158491.